The following is an entry in ClinVar:

ClinVar aggregate classification (germline): Uncertain significance (1 of 4 stars; one submission).

Allele frequency attached by ClinVar (database versions not stated): gnomAD 0.00001; gnomAD exomes 0.00001; TOPMed 0.00001; ExAC 0.00007.
gnomAD v4.1: 16 of 1,585,046 alleles (0.001%); highest among the groups gnomAD compares: Admixed American, 0.028%; no homozygotes.

Submission:

Labcorp Genetics (formerly Invitae), Labcorp
Classification: Uncertain significance. Last evaluated: 2022-08-14. Review status: criteria provided, single submitter. Criteria: Invitae Variant Classification Sherloc (09022015). Collection method: clinical testing. Allele origin: germline.
Comment: This sequence change affects codon 1582 of the RTTN mRNA. It is a 'silent' change, meaning that it does not change the encoded amino acid sequence of the RTTN protein. It affects a nucleotide within the consensus splice site. This variant is present in population databases (rs779973128, gnomAD 0.05%). This variant has not been reported in the literature in individuals affected with RTTN-related conditions. Algorithms developed to predict the effect of sequence changes on RNA splicing suggest that this variant may disrupt the consensus splice site. In summary, the available evidence is currently insufficient to determine the role of this variant in disease. Therefore, it has been classified as a Variant of Uncertain Significance.

NM_173630.4(RTTN):c.4746A>G (p.Gln1582=)

Gene: RTTN (rotatin; minus strand). Cytogenetic location: 18q22.2.
Variant type: single nucleotide variant.
Coding change: c.4746A>G on transcript NM_173630.4 (MANE Select); coding-DNA position 4746, A replaced by G.
Protein change: p.Gln1582=; no amino-acid change (glutamine 1582 retained).
Molecular consequence: synonymous variant.
Genome position (GRCh38, 1-based): chr18:70,065,830, T>C on the plus strand (A>G on the coding strand, the complement: RTTN is on the minus strand). VCF-style: chr18-70065830-T-C. GRCh37 (hg19) VCF-style: chr18-67733066-T-C.
Other names: c.2010A>G, p.Gln670= (NM_001318520.2).
Identifiers: ClinVar variation 1896223 (VCV001896223.2), dbSNP rs779973128, ClinGen allele CA8995151.